The following is an entry in ClinVar:

ClinVar aggregate classification (germline): Uncertain significance (1 of 4 stars; one submission).

Submission:

Labcorp Genetics (formerly Invitae), Labcorp
Classification: Uncertain significance. Last evaluated: 2025-12-11. Review status: criteria provided, single submitter. Criteria: Invitae Variant Classification Sherloc (09022015). Collection method: clinical testing. Allele origin: germline.
Comment: This sequence change falls in intron 9 of the POC5 gene. It does not directly change the encoded amino acid sequence of the POC5 protein. It affects a nucleotide within the consensus splice site. This variant is not present in population databases (gnomAD no frequency). This variant has not been reported in the literature in individuals affected with POC5-related conditions. Variants that disrupt the consensus splice site are a relatively common cause of aberrant splicing (PMID: 17576681, 9536098). Algorithms developed to predict the effect of sequence changes on RNA splicing suggest that this variant is not likely to affect RNA splicing. In summary, the available evidence is currently insufficient to determine the role of this variant in disease. Therefore, it has been classified as a Variant of Uncertain Significance.

Literature cited by the submitters: PubMed 17576681; PubMed 9536098.

NM_001099271.2(POC5):c.1129+4A>C

Gene: POC5 (POC5 centriolar protein; minus strand). Cytogenetic location: 5q13.3.
Variant type: single nucleotide variant.
Coding change: c.1129+4A>C on transcript NM_001099271.2 (MANE Select); 4 bases into the intron after coding-DNA position 1129, A replaced by C.
Molecular consequence: intron variant.
Genome position (GRCh38, 1-based): chr5:75,689,008, T>G on the plus strand (A>C on the coding strand, the complement: POC5 is on the minus strand). VCF-style: chr5-75689008-T-G. GRCh37 (hg19) VCF-style: chr5-74984833-T-G.
Other names: c.1054+4A>C (NM_152408.3).
Identifiers: ClinVar variation 4732091 (VCV004732091.1).